The following is an entry in ClinVar:

NM_015072.5(TTLL5):c.741-1G>A

Gene: TTLL5 (tubulin tyrosine ligase like 5; plus strand). Cytogenetic location: 14q24.3.
Variant type: single nucleotide variant.
Coding change: c.741-1G>A on transcript NM_015072.5 (MANE Select); the canonical splice acceptor site of the intron before coding-DNA position 741, G replaced by A.
Molecular consequence: splice acceptor variant.
Genome position (GRCh38, 1-based): chr14:75,717,860, G>A. VCF-style: chr14-75717860-G-A. GRCh37 (hg19) VCF-style: chr14-76184203-G-A.
Other names: NP_055887.3:p.?.
Identifiers: ClinVar variation 843116 (VCV000843116.10), dbSNP rs1887576038, ClinGen allele CA390458055.

ClinVar aggregate classification (germline): Pathogenic/Likely pathogenic. Review status: criteria provided, multiple submitters, no conflicts (2 of 4 stars). 2 submissions from 2 submitters: Pathogenic (1); Likely pathogenic (1). Last evaluated 2025-12-16.

Conditions:
Cone-rod dystrophy. Also called: Cone-rod degeneration; Cone/cone-rod dystrophy. Identifiers: Orphanet 1872, MedGen C4085590, MONDO:0015993, HP:0000548.

Allele frequency attached by ClinVar (database versions not stated): gnomAD exomes below 0.00001.
gnomAD v4.1: 1 of 1,613,452 alleles (0.000062%); highest among the groups gnomAD compares: Non-Finnish European, 0.000085%; no homozygotes.

Submissions (2):

Labcorp Genetics (formerly Invitae), Labcorp
Classification: Likely pathogenic. Last evaluated: 2025-12-16. Review status: criteria provided, single submitter. Criteria: Invitae Variant Classification Sherloc (09022015). Collection method: clinical testing. Allele origin: germline.
Comment: This sequence change affects an acceptor splice site in intron 9 of the TTLL5 gene. It is expected to disrupt RNA splicing. Variants that disrupt the donor or acceptor splice site typically lead to a loss of protein function (PMID: 16199547), and loss-of-function variants in TTLL5 are known to be pathogenic (PMID: 24791901, 27162334). This variant is not present in population databases (gnomAD no frequency). Disruption of this splice site has been observed in individual(s) with cone-rod dystrophy (PMID: 36909829). ClinVar contains an entry for this variant (Variation ID: 843116). Algorithms developed to predict the effect of sequence changes on RNA splicing suggest that this variant may disrupt the consensus splice site. In summary, the currently available evidence indicates that the variant is pathogenic, but additional data are needed to prove that conclusively. Therefore, this variant has been classified as Likely Pathogenic.

Ophthalmic Genetics Group, Institute of Molecular and Clinical Ophthalmology Basel
Classification: Pathogenic for Cone-rod dystrophy. Last evaluated: 2023-07-24. Review status: criteria provided, single submitter. Criteria: ACMG Guidelines, 2015. Collection method: research. Allele origin: germline. Affected: yes. Observed: 1 variant allele.
Comment: Clinical significance based on ACMG v2.0

This variant was classified as Pathogenic based on ACMG criteria: PVS1, PP5, PM2.

Literature cited by the submitters: PubMed 16199547 (cited by Labcorp Genetics (formerly Invitae), Labcorp); PubMed 24791901 (cited by Labcorp Genetics (formerly Invitae), Labcorp); PubMed 27162334 (cited by Labcorp Genetics (formerly Invitae), Labcorp); PubMed 36909829 (cited by Labcorp Genetics (formerly Invitae), Labcorp and Ophthalmic Genetics Group, Institute of Molecular and Clinical Ophthalmology Basel).